The following is an entry in ClinVar:

ClinVar aggregate classification (germline): Uncertain significance (1 of 4 stars; one submission).

gnomAD v4.1: 1 of 1,614,126 alleles (0.000062%); highest among the groups gnomAD compares: African/African-American, 0.0013%; no homozygotes.

Submission:

Labcorp Genetics (formerly Invitae), Labcorp
Classification: Uncertain significance. Last evaluated: 2024-01-30. Review status: criteria provided, single submitter. Criteria: Invitae Variant Classification Sherloc (09022015). Collection method: clinical testing. Allele origin: germline.
Comment: This sequence change replaces isoleucine, which is neutral and non-polar, with leucine, which is neutral and non-polar, at codon 759 of the EMC1 protein (p.Ile759Leu). This variant is present in population databases (no rsID available, gnomAD 0.007%). This variant has not been reported in the literature in individuals affected with EMC1-related conditions. ClinVar contains an entry for this variant (Variation ID: 2125932). Advanced modeling of protein sequence and biophysical properties (such as structural, functional, and spatial information, amino acid conservation, physicochemical variation, residue mobility, and thermodynamic stability) performed at Invitae indicates that this missense variant is not expected to disrupt EMC1 protein function with a negative predictive value of 80%. In summary, the available evidence is currently insufficient to determine the role of this variant in disease. Therefore, it has been classified as a Variant of Uncertain Significance.

NM_015047.3(EMC1):c.2275A>C (p.Ile759Leu)

Genes: EMC1 (ER membrane protein complex subunit 1; minus strand), EMC1-AS1 (EMC1 antisense RNA 1; plus strand). Cytogenetic location: 1p36.13.
Variant type: single nucleotide variant.
Coding change: c.2275A>C on transcript NM_015047.3 (MANE Select); coding-DNA position 2275, A replaced by C.
Protein change: p.Ile759Leu; replaces isoleucine 759 with leucine.
Molecular consequence: missense variant.
Genome position (GRCh38, 1-based): chr1:19,223,497, T>G on the plus strand (A>C on the coding strand, the complement: EMC1 is on the minus strand). VCF-style: chr1-19223497-T-G. GRCh37 (hg19) VCF-style: chr1-19549991-T-G.
Other names: c.2272A>C, p.Ile758Leu (NM_001271427.2, NM_001271428.2); c.2209A>C, p.Ile737Leu (NM_001271429.2); c.2284A>C, p.Ile762Leu (NM_001375820.1); c.2281A>C, p.Ile761Leu (NM_001375821.1); short protein forms I759L, I762L, I737L, I758L, I761L.
Identifiers: ClinVar variation 2125932 (VCV002125932.4), dbSNP rs865962295, ClinGen allele CA338755030.